The following is an entry in ClinVar:

ClinVar aggregate classification (germline): Likely benign (1 of 4 stars; one submission).

Allele frequency attached by ClinVar (database versions not stated): TOPMed below 0.00001; gnomAD 0.00001; ExAC 0.00002; gnomAD exomes 0.00002.
gnomAD v4.1: 11 of 1,604,652 alleles (0.00069%); highest among the groups gnomAD compares: East Asian, 0.0022%; no homozygotes.

Submission:

CeGaT Center for Human Genetics Tuebingen
Classification: Likely benign. Last evaluated: 2023-03-01. Review status: criteria provided, single submitter. Criteria: CeGaT Center For Human Genetics Tuebingen Variant Classification Criteria Version 2. Collection method: clinical testing. Allele origin: germline. Affected: yes. Observed: 5 variant alleles.
Comment: KMT2B: BP4, BP7

NM_014727.3(KMT2B):c.2577C>T (p.Pro859=)

Gene: KMT2B (lysine methyltransferase 2B; plus strand). Cytogenetic location: 19q13.12.
Variant type: single nucleotide variant.
Coding change: c.2577C>T on transcript NM_014727.3 (MANE Select); coding-DNA position 2577, C replaced by T.
Protein change: p.Pro859=; no amino-acid change (proline 859 retained).
Molecular consequence: synonymous variant.
Genome position (GRCh38, 1-based): chr19:35,722,573, C>T. VCF-style: chr19-35722573-C-T. GRCh37 (hg19) VCF-style: chr19-36213475-C-T.
Identifiers: ClinVar variation 623941 (VCV000623941.43), dbSNP rs756586097, ClinGen allele CA9384505.